The following is an entry in ClinVar:

ClinVar aggregate classification (germline): Conflicting classifications of pathogenicity. Review status: criteria provided, conflicting classifications (1 of 4 stars). 8 submissions from 8 submitters: Uncertain significance (3); Likely benign (3). 2 of the submissions do not count toward it. Last evaluated 2026-01-01.

Conditions:
Hereditary cancer-predisposing syndrome. Also called: Hereditary neoplastic syndrome; Tumor predisposition; Hereditary Cancer Syndrome; Neoplastic Syndromes, Hereditary. Identifiers: Orphanet 140162, MedGen C0027672, MeSH D009386, MONDO:0015356.
Dyskeratosis congenita, autosomal recessive 1. Identifiers: Orphanet 1775, MedGen C1857144, MONDO:0009136, OMIM 224230.

Allele frequency attached by ClinVar (database versions not stated): 1000 Genomes Project 0.00020; gnomAD exomes 0.00022 and 0.00075; ExAC 0.00026; 1000 Genomes Project 30x 0.00031; TOPMed 0.00034; gnomAD 0.00035 and 0.00037; ESP Exome Variant Server 0.00046.
gnomAD v4.1: 1,119 of 1,613,988 alleles (0.069%); highest among the groups gnomAD compares: Non-Finnish European, 0.093%; 1 homozygote.

Submissions (8):

Labcorp Genetics (formerly Invitae), Labcorp
Classification: Likely benign for Dyskeratosis congenita, autosomal recessive 1. Last evaluated: 2026-01-01. Review status: criteria provided, single submitter. Criteria: Invitae Variant Classification Sherloc (09022015). Collection method: clinical testing. Allele origin: germline.

Blueprint Genetics
Classification: Likely benign. Last evaluated: 2024-09-20. Review status: criteria provided, single submitter. Criteria: ACMG Guidelines, 2015. Collection method: clinical testing. Allele origin: germline.

Sema4
Classification: Uncertain significance for Hereditary cancer-predisposing syndrome. Last evaluated: 2022-01-20. Review status: criteria provided, single submitter. Criteria: Sema4 Curation Guidelines. Collection method: curation. Allele origin: germline.
Comment: The NOP10 c.55-9C>T variant has not been reported in the literature to our knowledge. It was observed in 64/282828 chromosomes across the large and broad cohorts of the Genome Aggregation Database (PMID: 32461654). The variant has been reported in ClinVar (Variation ID 315637). Splice site prediction tools suggest the variant does not disrupt normal splicing, however these predictions have not been confirmed by published transcriptional studies. The evidence is insufficient to meet ACMG/AMP criteria for classifying the variant as benign or pathogenic. Thus, the clinical significance of this variant is currently uncertain.

GeneDx
Classification: Likely benign. Last evaluated: 2019-04-22. Review status: criteria provided, single submitter. Criteria: GeneDx Variant Classification Process June 2021. Collection method: clinical testing. Allele origin: germline. Affected: yes.
Comment: Has not been previously published as pathogenic or benign to our knowledge; In-silico analysis, which includes splice predictors and evolutionary conservation, is inconclusive as to whether the variant alters gene splicing. In the absence of RNA/functional studies, the actual effect of this sequence change is unknown.

Genetic Services Laboratory, University of Chicago
Classification: Uncertain significance. Last evaluated: 2019-02-14. Review status: criteria provided, single submitter. Criteria: ACMG Guidelines, 2015. Collection method: clinical testing. Allele origin: germline. Affected: no.

Illumina Laboratory Services, Illumina
Classification: Uncertain significance for Dyskeratosis congenita, autosomal recessive 1. Last evaluated: 2018-01-13. Review status: criteria provided, single submitter. Criteria: ICSL Variant Classification Criteria 13 December 2019. Collection method: clinical testing. Allele origin: germline.

Clinical Genetics DNA and cytogenetics Diagnostics Lab, Erasmus MC, Erasmus Medical Center
Classification: Likely benign. Review status: no assertion criteria provided. Collection method: clinical testing. Allele origin: germline. Affected: yes. Study: VKGL Data-share Consensus. Not counted in ClinVar's aggregate classification.

Genome Diagnostics Laboratory, University Medical Center Utrecht
Classification: Likely benign. Review status: no assertion criteria provided. Collection method: clinical testing. Allele origin: germline. Affected: yes. Study: VKGL Data-share Consensus. Not counted in ClinVar's aggregate classification.

NM_018648.4(NOP10):c.55-9C>T

Gene: NOP10 (NOP10 ribonucleoprotein; minus strand). Cytogenetic location: 15q14.
Variant type: single nucleotide variant.
Coding change: c.55-9C>T on transcript NM_018648.4 (MANE Select); 9 bases into the intron before coding-DNA position 55, C replaced by T.
Molecular consequence: intron variant.
Genome position (GRCh38, 1-based): chr15:34,342,117, G>A on the plus strand (C>T on the coding strand, the complement: NOP10 is on the minus strand). VCF-style: chr15-34342117-G-A. GRCh37 (hg19) VCF-style: chr15-34634318-G-A.
Identifiers: ClinVar variation 315637 (VCV000315637.22), dbSNP rs72720799, ClinGen allele CA7464781.
Genomic context (GRCh38, chr15:34,342,117, plus strand): 5'-AGAACCGAGCAGGATGGGCTGAGCAGGTCTGTTGTCCCATCGGGTCAAATTTCTGCTCCA[G>A]GAACACAGAATGTATGTCAGTACAGGAGTGATGAAATGGGGTGGGGCCAGCGCGAAAAAG-3'